The following is an entry in ClinVar:

NM_014009.4(FOXP3):c.735G>A (p.Gln245=)

Gene: FOXP3 (forkhead box P3; minus strand). Cytogenetic location: Xp11.23.
Variant type: single nucleotide variant.
Coding change: c.735G>A on transcript NM_014009.4 (MANE Select); coding-DNA position 735, G replaced by A.
Protein change: p.Gln245=; no amino-acid change (glutamine 245 retained).
Molecular consequence: synonymous variant.
Genome position (GRCh38, 1-based): chrX:49,255,715, C>T on the plus strand (G>A on the coding strand, the complement: FOXP3 is on the minus strand). VCF-style: chrX-49255715-C-T. GRCh37 (hg19) VCF-style: chrX-49112176-C-T.
Other names: c.630G>A, p.Gln210= (NM_001114377.2).
Identifiers: ClinVar variation 3061161 (VCV003061161.4), dbSNP rs2519192078, ClinGen allele CA516397282.

ClinVar aggregate classification (germline): Likely pathogenic (1 of 4 stars; one submission).

Conditions:
FOXP3-related disorder. Also called: FOXP3-related condition.

Submission:

PreventionGenetics, part of Exact Sciences
Classification: Likely pathogenic for FOXP3-related condition. Last evaluated: 2024-11-05. Review status: criteria provided, single submitter. Criteria: ACMG Guidelines, 2015. Collection method: clinical testing. Allele origin: germline.
Comment: The FOXP3 c.735G>A variant is not predicted to result in an amino acid change (p.=). To our knowledge, this variant has not been reported in the literature or in a large population database, indicating this variant is rare. This variant occurs at the last nucleotide of exon 7 and is predicted to significantly reduce the strength of the adjacent canonical splice donor site. This variant was reported in the hemizygous state in two fetuses (independent pregnancies) from the same family undergoing testing at PreventionGenetics for fetal hydrops; segregation analysis demonstrated this variant to be maternally inherited (internal data). Taken together, this variant is interpreted as likely pathogenic.